The following is an entry in ClinVar:

NM_000186.4(CFH):c.1381del (p.Ser461fs)

Gene: CFH (complement factor H; plus strand). Cytogenetic location: 1q31.3.
Variant type: Deletion.
Coding change: c.1381del on transcript NM_000186.4 (MANE Select); coding-DNA position 1381, one base deleted (T; older notation c.1381delT).
Protein change: p.Ser461fs; shifts the reading frame from serine 461.
Molecular consequence: frameshift variant.
Genome position (GRCh38, 1-based): chr1:196,713,779, T deleted; the last of 3 consecutive T bases (chr1:196,713,777-196,713,779); deleting any one gives the same sequence. VCF-style (leftmost placement, unchanged base first): chr1-196713776-AT-A. GRCh37 (hg19) VCF-style: chr1-196682906-AT-A.
Other names: short protein forms S461fs.
Identifiers: ClinVar variation 4992458 (VCV004992458.1).
Genomic context (GRCh38, chr1:196,713,776, plus strand): 5'-TTATTCTCTTCCCTTTTAGAAACATGTTCCAAATCAAGTATAGATATTGAGAATGGGTTT[AT>A]TTCTGAATCTCAGTATACATATGCCTTAAAAGAAAAAGCGAAATATCAATGCAAACTAGG-3'

ClinVar aggregate classification (germline): Pathogenic (1 of 4 stars; one submission).

Conditions:
CFH-related disorder. Also called: CFH-related condition; CFH-related disorders.

Submission:

PreventionGenetics, part of Exact Sciences
Classification: Pathogenic for CFH-related condition. Last evaluated: 2026-03-31. Review status: criteria provided, single submitter. Criteria: ACMG Guidelines, 2015. Collection method: clinical testing. Allele origin: germline.
Comment: The CFH c.1381delT variant is predicted to result in a frameshift and premature protein termination (p.Ser461Leufs*9). To our knowledge, this variant has not been reported in the literature or in a large population database (gnomAD), indicating this variant is rare. Frameshift variants in CFH are expected to be pathogenic. This variant is interpreted as pathogenic for both autosomal dominant and recessive CFH-related disorders.